The following is an entry in ClinVar:

ClinVar aggregate classification (germline): Uncertain significance. Review status: criteria provided, multiple submitters, no conflicts (2 of 4 stars). 2 submissions from 2 submitters: Uncertain significance (2). Last evaluated 2025-04-13.

Allele frequency attached by ClinVar (database versions not stated): gnomAD exomes below 0.00001; ExAC 0.00001.
gnomAD v4.1: 2 of 1,581,258 alleles (0.00013%); highest among the groups gnomAD compares: South Asian, 0.0023%; no homozygotes.

Submissions (2):

Ambry Genetics
Classification: Uncertain significance. Last evaluated: 2025-04-13. Review status: criteria provided, single submitter. Criteria: Ambry Variant Classification Scheme 2023. Collection method: clinical testing. Allele origin: germline.
Comment: The p.E475G variant (also known as c.1424A>G), located in coding exon 13 of the GEN1 gene, results from an A to G substitution at nucleotide position 1424. The glutamic acid at codon 475 is replaced by glycine, an amino acid with similar properties. This amino acid position is conserved. In addition, this alteration is predicted to be tolerated by in silico analysis. Based on the available evidence, the clinical significance of this variant remains unclear.

Labcorp Genetics (formerly Invitae), Labcorp
Classification: Uncertain significance. Last evaluated: 2021-10-01. Review status: criteria provided, single submitter. Criteria: Invitae Variant Classification Sherloc (09022015). Collection method: clinical testing. Allele origin: germline.
Comment: Algorithms developed to predict the effect of missense changes on protein structure and function output the following: SIFT: "Tolerated"; PolyPhen-2: "Benign"; Align-GVGD: "Class C0". The glycine amino acid residue is found in multiple mammalian species, which suggests that this missense change does not adversely affect protein function. In summary, the available evidence is currently insufficient to determine the role of this variant in disease. Therefore, it has been classified as a Variant of Uncertain Significance. This variant has not been reported in the literature in individuals affected with GEN1-related conditions. This variant is present in population databases (rs775854740, ExAC 0.009%). This sequence change replaces glutamic acid with glycine at codon 475 of the GEN1 protein (p.Glu475Gly). The glutamic acid residue is moderately conserved and there is a moderate physicochemical difference between glutamic acid and glycine.

NM_001130009.3(GEN1):c.1424A>G (p.Glu475Gly)

Gene: GEN1 (GEN1 structure-specific endonuclease; plus strand). Cytogenetic location: 2p24.2.
Variant type: single nucleotide variant.
Coding change: c.1424A>G on transcript NM_001130009.3 (MANE Select); coding-DNA position 1424, A replaced by G.
Protein change: p.Glu475Gly; replaces glutamic acid 475 with glycine.
Molecular consequence: missense variant.
Genome position (GRCh38, 1-based): chr2:17,780,636, A>G. VCF-style: chr2-17780636-A-G. GRCh37 (hg19) VCF-style: chr2-17961903-A-G.
Other names: c.1424A>G (NM_001130009.1); c.1424A>G, p.Glu475Gly (NM_182625.5); short protein forms E475G.
Identifiers: ClinVar variation 1522502 (VCV001522502.7), dbSNP rs775854740, ClinGen allele CA1540771.